The following is an entry in ClinVar:

NM_153252.5(BRWD3):c.2254G>A (p.Ala752Thr)

Gene: BRWD3 (bromodomain and WD repeat domain containing 3; minus strand). Cytogenetic location: Xq21.1.
Variant type: single nucleotide variant.
Coding change: c.2254G>A on transcript NM_153252.5 (MANE Select); coding-DNA position 2254, G replaced by A.
Protein change: p.Ala752Thr; replaces alanine 752 with threonine.
Molecular consequence: missense variant.
Genome position (GRCh38, 1-based): chrX:80,716,228, C>T on the plus strand (G>A on the coding strand, the complement: BRWD3 is on the minus strand). VCF-style: chrX-80716228-C-T. GRCh37 (hg19) VCF-style: chrX-79971727-C-T.
Other names: short protein forms A752T.
Identifiers: ClinVar variation 3639375 (VCV003639375.2).

ClinVar aggregate classification (germline): Uncertain significance (1 of 4 stars; one submission).

gnomAD v4.1: 1 of 1,208,631 alleles (0.000083%); highest among the groups gnomAD compares: African/African-American, 0.0017%; no homozygotes.

Submission:

Labcorp Genetics (formerly Invitae), Labcorp
Classification: Uncertain significance. Last evaluated: 2024-02-07. Review status: criteria provided, single submitter. Criteria: Invitae Variant Classification Sherloc (09022015). Collection method: clinical testing. Allele origin: germline.
Comment: This sequence change replaces alanine, which is neutral and non-polar, with threonine, which is neutral and polar, at codon 752 of the BRWD3 protein (p.Ala752Thr). This variant is not present in population databases (gnomAD no frequency). This variant has not been reported in the literature in individuals affected with BRWD3-related conditions. Advanced modeling of protein sequence and biophysical properties (such as structural, functional, and spatial information, amino acid conservation, physicochemical variation, residue mobility, and thermodynamic stability) performed at Invitae indicates that this missense variant is not expected to disrupt BRWD3 protein function with a negative predictive value of 80%. In summary, the available evidence is currently insufficient to determine the role of this variant in disease. Therefore, it has been classified as a Variant of Uncertain Significance.